The following is an entry in ClinVar:

NM_005076.5(CNTN2):c.2696C>A (p.Ala899Asp)

Gene: CNTN2 (contactin 2; plus strand). Cytogenetic location: 1q32.1.
Variant type: single nucleotide variant.
Coding change: c.2696C>A on transcript NM_005076.5 (MANE Select); coding-DNA position 2696, C replaced by A.
Protein change: p.Ala899Asp; replaces alanine 899 with aspartic acid.
Molecular consequence: missense variant. On other transcripts: non-coding transcript variant (1).
Genome position (GRCh38, 1-based): chr1:205,072,098, C>A. VCF-style: chr1-205072098-C-A. GRCh37 (hg19) VCF-style: chr1-205041226-C-A.
Other names: c.2696C>A, p.Ala899Asp (NM_001346083.2); short protein forms A899D.
Identifiers: ClinVar variation 2176470 (VCV002176470.2), dbSNP rs1056605494, ClinGen allele CA36376175.
Genomic context (GRCh38, chr1:205,072,098, plus strand): 5'-ATCCCAACACCAAGTACCATGTGACCGTGAGGGCCTACAACCGGGCTGGCACTGGGCCTG[C>A]CAGCCCTTCTGCCAACGCCACGACCATGAAGCCCCGTGAGTCTGTCTGCCTGGGGTGGGG-3'
Protein context (NP_005067.1, residues 889-909): RAYNRAGTGP[Ala899Asp]SPSANATTMK

ClinVar aggregate classification (germline): Uncertain significance (1 of 4 stars; one submission).

Conditions:
Epilepsy, familial adult myoclonic, 5 (EPEO5). Also called: CORTICAL MYOCLONIC TREMOR WITH EPILEPSY, FAMILIAL, 5. Identifiers: Orphanet 86814, MedGen C3809374, MONDO:0014167, OMIM 615400.

Allele frequency attached by ClinVar (database versions not stated): gnomAD exomes below 0.00001.
gnomAD v4.1: 6 of 1,613,144 alleles (0.00037%); highest among the groups gnomAD compares: Non-Finnish European, 0.00051%; no homozygotes.

Submission:

Labcorp Genetics (formerly Invitae), Labcorp
Classification: Uncertain significance for Epilepsy, familial adult myoclonic, 5. Last evaluated: 2022-07-11. Review status: criteria provided, single submitter. Criteria: Invitae Variant Classification Sherloc (09022015). Collection method: clinical testing. Allele origin: germline.
Comment: In summary, the available evidence is currently insufficient to determine the role of this variant in disease. Therefore, it has been classified as a Variant of Uncertain Significance. Advanced modeling of protein sequence and biophysical properties (such as structural, functional, and spatial information, amino acid conservation, physicochemical variation, residue mobility, and thermodynamic stability) performed at Invitae indicates that this missense variant is not expected to disrupt CNTN2 protein function. This variant has not been reported in the literature in individuals affected with CNTN2-related conditions. This variant is not present in population databases (gnomAD no frequency). This sequence change replaces alanine, which is neutral and non-polar, with aspartic acid, which is acidic and polar, at codon 899 of the CNTN2 protein (p.Ala899Asp).